The following is an entry in ClinVar:

ClinVar aggregate classification (germline): Uncertain significance (1 of 4 stars; one submission).

Conditions:
Infantile neuroaxonal dystrophy (NBIA2A). Also called: NEURODEGENERATION WITH BRAIN IRON ACCUMULATION 2A; SEITELBERGER DISEASE; Infantile neuroaxonal dystrophy 1. Identifiers: Orphanet 35069, MedGen C0270724, MONDO:0024457, OMIM 256600.

Allele frequency attached by ClinVar (database versions not stated): gnomAD 0.00001; TOPMed below 0.00001.
gnomAD v4.1: 2 of 1,613,992 alleles (0.00012%); highest among the groups gnomAD compares: Non-Finnish European, 0.00017%; no homozygotes.

Submission:

Labcorp Genetics (formerly Invitae), Labcorp
Classification: Uncertain significance for Infantile neuroaxonal dystrophy. Last evaluated: 2022-04-28. Review status: criteria provided, single submitter. Criteria: Invitae Variant Classification Sherloc (09022015). Collection method: clinical testing. Allele origin: germline.
Comment: This sequence change replaces threonine, which is neutral and polar, with asparagine, which is neutral and polar, at codon 378 of the PLA2G6 protein (p.Thr378Asn). This variant is not present in population databases (gnomAD no frequency). This variant has not been reported in the literature in individuals affected with PLA2G6-related conditions. Advanced modeling of protein sequence and biophysical properties (such as structural, functional, and spatial information, amino acid conservation, physicochemical variation, residue mobility, and thermodynamic stability) performed at Invitae indicates that this missense variant is not expected to disrupt PLA2G6 protein function. In summary, the available evidence is currently insufficient to determine the role of this variant in disease. Therefore, it has been classified as a Variant of Uncertain Significance.

NM_003560.4(PLA2G6):c.1133C>A (p.Thr378Asn)

Gene: PLA2G6 (phospholipase A2 group VI; minus strand). Cytogenetic location: 22q13.1.
Variant type: single nucleotide variant.
Coding change: c.1133C>A on transcript NM_003560.4 (MANE Select); coding-DNA position 1133, C replaced by A.
Protein change: p.Thr378Asn; replaces threonine 378 with asparagine.
Molecular consequence: missense variant.
Genome position (GRCh38, 1-based): chr22:38,129,507, G>T on the plus strand (C>A on the coding strand, the complement: PLA2G6 is on the minus strand). VCF-style: chr22-38129507-G-T. GRCh37 (hg19) VCF-style: chr22-38525514-G-T.
Other names: c.1133C>A, p.Thr378Asn (NM_001004426.3, NM_001199562.3, NM_001349864.2 and 2 more transcripts); c.599C>A, p.Thr200Asn (NM_001349867.2, NM_001349869.2); c.455C>A, p.Thr152Asn (NM_001349868.2); short protein forms T200N, T152N, T378N.
Identifiers: ClinVar variation 2107293 (VCV002107293.4), dbSNP rs769930709, ClinGen allele CA411530472.
Genomic context (GRCh38, chr22:38,129,507, plus strand): 5'-CACATACGTCTGCCGATTTTGGAGGCTAGGAATGTAGGAGTCTCCCCAAAGTCATTCGGG[G>T]TGTCCACTTCTGCTCCGAACACGATGAGGGCCTTGATCATCTCCACGTTGTCTTTCTGTT-3'
Protein context (NP_003551.2, residues 368-388): ALIVFGAEVD[Thr378Asn]PNDFGETPTF